The following is an entry in ClinVar:

NM_000064.4(C3):c.3688G>A (p.Val1230Met)

Gene: C3 (complement C3; minus strand). Cytogenetic location: 19p13.3.
Variant type: single nucleotide variant.
Coding change: c.3688G>A on transcript NM_000064.4 (MANE Select); coding-DNA position 3688, G replaced by A.
Protein change: p.Val1230Met; replaces valine 1230 with methionine.
Molecular consequence: missense variant.
Genome position (GRCh38, 1-based): chr19:6,686,246, C>T on the plus strand (G>A on the coding strand, the complement: C3 is on the minus strand). VCF-style: chr19-6686246-C-T. GRCh37 (hg19) VCF-style: chr19-6686257-C-T.
Other names: short protein forms V1230M.
Identifiers: ClinVar variation 3704486 (VCV003704486.2).
Genomic context (GRCh38, chr19:6,686,246, plus strand): 5'-GCACAAAGTCAAAGTCTTTTAGCTGCAGTAGGGCCAAGAGGGCATAGGATGTGGCCTCCA[C>T]GTTGTAGAGCTGCTTACCAGGGTCCTCCCAGCGGTTCTTATCTGCAAAGAAGATACCCCA-3'
Protein context (NP_000055.2, residues 1220-1240): WEDPGKQLYN[Val1230Met]EATSYALLAL

ClinVar aggregate classification (germline): Uncertain significance (1 of 4 stars; one submission).

gnomAD v4.1: 56 of 1,614,040 alleles (0.0035%); highest among the groups gnomAD compares: Middle Eastern, 0.016%; no homozygotes.

Submission:

Labcorp Genetics (formerly Invitae), Labcorp
Classification: Uncertain significance. Last evaluated: 2025-11-03. Review status: criteria provided, single submitter. Criteria: Invitae Variant Classification Sherloc (09022015). Collection method: clinical testing. Allele origin: germline.
Comment: This sequence change replaces valine, which is neutral and non-polar, with methionine, which is neutral and non-polar, at codon 1230 of the C3 protein (p.Val1230Met). This variant is present in population databases (rs147113695, gnomAD 0.004%). This missense change has been observed in individual(s) with clinical features of C3-related conditions (PMID: 29888403). ClinVar contains an entry for this variant (Variation ID: 3704486). Invitae Evidence Modeling of protein sequence and biophysical properties (such as structural, functional, and spatial information, amino acid conservation, physicochemical variation, residue mobility, and thermodynamic stability) indicates that this missense variant is not expected to disrupt C3 protein function with a negative predictive value of 80%. In summary, the available evidence is currently insufficient to determine the role of this variant in disease. Therefore, it has been classified as a Variant of Uncertain Significance.

Literature cited by the submitters: PubMed 29888403.